The following is an entry in ClinVar:

ClinVar aggregate classification (germline): Benign. Review status: criteria provided, multiple submitters, no conflicts (2 of 4 stars). 2 submissions from 2 submitters: Benign (2). Last evaluated 2018-01-13.

Conditions:
Emery-Dreifuss muscular dystrophy 5, autosomal dominant (EDMD5). Also called: EMERY-DREIFUSS MUSCULAR DYSTROPHY 5. Identifiers: Orphanet 261, MedGen C2751805, MONDO:0013072, OMIM 612999.

Allele frequency attached by ClinVar (database versions not stated): 1000 Genomes Project 0.00479; gnomAD 0.00532 and 0.00551; TOPMed 0.00564; 1000 Genomes Project 30x 0.00578.

Submissions (3):

Illumina Laboratory Services, Illumina
Classification: Benign for Emery-Dreifuss muscular dystrophy 5, autosomal dominant. Last evaluated: 2018-01-13. Review status: criteria provided, single submitter. Criteria: ICSL Variant Classification Criteria 13 December 2019. Collection method: clinical testing. Allele origin: germline.
Comment: This variant was observed in the ICSL laboratory as part of a predisposition screen in an ostensibly healthy population. It had not been previously curated by ICSL or reported in the Human Gene Mutation Database (HGMD: prior to June 1st, 2018), and was therefore a candidate for classification through an automated scoring system. Utilizing variant allele frequency, disease prevalence and penetrance estimates, and inheritance mode, an automated score was calculated to assess if this variant is too frequent to cause the disease. Based on the score and internal cut-off values, a variant classified as benign is not then subjected to further curation. The score for this variant resulted in a classification of benign for this disease.

Breakthrough Genomics
Classification: Benign. Review status: criteria provided, single submitter. Criteria: ACMG Guidelines, 2015. Collection method: not provided. Allele origin: germline. Inheritance: Autosomal dominant inheritance. Affected: yes.

Dr. Peter K. Rogan Lab, Western University
No classification provided (evidence only). Condition: Cervical cancer. Review status: no classification provided. Collection method: in vitro. Allele origin: not applicable. Functional consequence: retained intron. Not counted in ClinVar's aggregate classification.

NM_182914.3(SYNE2):c.*663A>T

Gene: SYNE2 (spectrin repeat containing nuclear envelope protein 2; plus strand). Cytogenetic location: 14q23.2.
Variant type: single nucleotide variant.
Coding change: c.*663A>T on transcript NM_182914.3 (MANE Select); 663 bases downstream of the stop codon, A replaced by T.
Molecular consequence: 3 prime UTR variant.
Genome position (GRCh38, 1-based): chr14:64,226,189, A>T. VCF-style: chr14-64226189-A-T. GRCh37 (hg19) VCF-style: chr14-64692907-A-T.
Other names: NC_000014.8:g.64692907A>T; c.*663A>T (NM_015180.6, NM_182910.2, NM_182913.4).
Identifiers: ClinVar variation 313687 (VCV000313687.7), dbSNP rs544882576, ClinGen allele CA10640574.